The following is an entry in ClinVar:

NM_001034853.2(RPGR):c.1872_1873del (p.Glu624fs)

Gene: RPGR (retinitis pigmentosa GTPase regulator; minus strand). Cytogenetic location: Xp11.4.
Variant type: Microsatellite.
Coding change: c.1872_1873del on transcript NM_001034853.2 (MANE Select); coding-DNA positions 1872 to 1873, 2 bases deleted (GA; older notation c.1872_1873delGA).
Protein change: p.Glu624fs; shifts the reading frame from glutamic acid 624.
Molecular consequence: frameshift variant. On other transcripts: non-coding transcript variant (2), intron variant (5).
Genome position (GRCh38, 1-based): chrX:38,287,126-38,287,127, TC deleted on the plus strand (GA on the coding strand, the reverse complement: RPGR is on the minus strand); deleting any 2 consecutive bases within chrX:38,287,126-38,287,130 gives the same sequence; the c. name uses the placement nearest the transcript's 3' end. VCF-style (leftmost placement, unchanged base first): chrX-38287125-ATC-A. GRCh37 (hg19) VCF-style: chrX-38146378-ATC-A.
Other names: NM_001034853.2(RPGR):c.1872_1873del; p.Glu624fs; c.1872_1873del, p.Glu624fs (NM_000328.3); c.1869_1870del, p.Glu623fs (NM_001367245.1); c.1686_1687del, p.Glu562fs (NM_001367246.1); c.1569+3832_1569+3833del (NM_001367249.1, NM_001367250.1); c.1386+3832_1386+3833del (NM_001367251.1); c.1572+3832_1572+3833del (NM_001367247.1); and 1 more; short protein forms E562fs, E624fs, E623fs.
Identifiers: ClinVar variation 872283 (VCV000872283.49), dbSNP rs2067200470, ClinGen allele CA1139667436.
Genomic context (GRCh38, chrX:38,287,125, plus strand): 5'-CCCACTGATTTTGCCTTGCCTTCACTCACCTCTGCTTTGTCTGTAAGGTCATCTGATAGG[ATC>A]TCTGTTTTCTCCTTTCTTCCTCCATGCACCTTCACATTTTCCTCATTTGCTTCTACCTCT-3'

ClinVar aggregate classification (germline): Pathogenic. Review status: reviewed by expert panel (3 of 4 stars). 5 submissions from 5 submitters: Pathogenic (1). 4 of the submissions do not count toward it. Last evaluated 2026-01-25.

Conditions:
RPGR-related retinopathy. Also called: RPGR retinopathy. Identifiers: MedGen CN305589, MONDO:0100437.
Retinal dystrophy. Also called: Inherited retinal dystrophy. Identifiers: Orphanet 71862, MedGen C0854723, MeSH D058499, MONDO:0019118, HP:0000556.
RPGR-related disorder. Also called: RPGR-related condition.
Primary ciliary dyskinesia. Also called: Ciliary dyskinesia. Identifiers: Orphanet 244, MedGen C0008780, MONDO:0016575, HP:0012265.

Submissions (5):

ClinGen X-linked Inherited Retinal Disease Variant Curation Expert Panel, ClinGen
Classification: Pathogenic for RPGR-related retinopathy. Last evaluated: 2026-01-25. Review status: reviewed by expert panel. Criteria: ClinGen X LinkedIRD ACMG Specifications RPGR V1.0.0. Collection method: curation. Allele origin: germline. Inheritance: X-linked inheritance.
Comment: NM_001034853.2(RPGR):c.1872_1873del (p.Glu624AspfsTer5) is a frameshift variant due to a two-nucleotide deletion that introduces a premature stop codon within exon 15 of 15 that is predicted to disrupt a critical C-terminal region required for proper function of RPGR (PVS1, PMID: 36445968). This variant is absent from hemizygous individuals in gnomAD v4.1.0 (PM2_Supporting). At least one proband harboring this variant exhibits a phenotype including early onset (1 pt), night blindness (0.5 pts), electroretinogram responses consistent with retinitis pigmentosa, and reduced visual fields (0.5 pts), with genotyping by next-generation sequencing identifying no alternative basis for retinal disease (2 pts), which together are specific for RPGR-related retinopathy (4 points, ClinVar Accession: SCV001427266.1, PP4). This variant has been reported in at least 1 proband meeting one of the PS4 requirements of some functional vision impairment in affected males by age 30 years, and/pr decreased or absent electroretinogram responses (PMID: 34745198), in addition to the proband previously used to meet the PP4 code (ClinVar Accession: SCV001427266.1) (PS4_Supporting). This variant has been reported in at least 6 other apparently unrelated probands (PMID: 34985506, PMID: 37217489, PMID: 12657579, PMID: 12402343, PMID: 32531858, PMID: 30902645, ClinVar Accession: SCV001427266.1) who were not described in sufficient detail for inclusion in PS4. The variant has been reported to segregate with retinal dystrophy through an affected mother and son (PP1; PMID: 34745198). In summary, this variant is classified as pathogenic for RPGR-related retinopathy based on the ClinGen X-linked Inherited Retinal Disease Expert Panel Specifications to the ACMG/AMP Variant Interpretation Guidelines for RPGR Version 1.0.0; PVS1, PM2_Supporting, PP4, PS4_Supporting, and PP1.

Labcorp Genetics (formerly Invitae), Labcorp
Classification: Pathogenic for Primary ciliary dyskinesia. Last evaluated: 2025-10-26. Review status: criteria provided, single submitter. Criteria: Invitae Variant Classification Sherloc (09022015). Collection method: clinical testing. Allele origin: germline. Not counted in ClinVar's aggregate classification.
Comment: This sequence change creates a premature translational stop signal (p.Glu624Aspfs*5) in the RPGR gene. It is expected to result in an absent or disrupted protein product. Loss-of-function variants in RPGR are known to be pathogenic (PMID: 16055928, 16969763). This variant is not present in population databases (gnomAD no frequency). This premature translational stop signal has been observed in individual(s) with retinitis pigmentosa (PMID: 12402343). This variant is also known as g.ORF15+119_120delGA. Algorithms developed to predict the effect of sequence changes on RNA splicing suggest that this variant may disrupt the consensus splice site. For these reasons, this variant has been classified as Pathogenic.

Blueprint Genetics
Classification: Pathogenic for RPGR-related disorders. Last evaluated: 2023-09-04. Review status: criteria provided, single submitter. Criteria: ACMG Guidelines, 2015. Collection method: clinical testing. Allele origin: germline. Affected: yes. Observed: 5 variant alleles. Not counted in ClinVar's aggregate classification.

CeGaT Center for Human Genetics Tuebingen
Classification: Pathogenic. Last evaluated: 2018-07-01. Review status: criteria provided, single submitter. Criteria: CeGaT Center For Human Genetics Tuebingen Variant Classification Criteria Version 2. Collection method: clinical testing. Allele origin: germline. Affected: yes. Observed: 1 variant allele. Not counted in ClinVar's aggregate classification.

Institute of Human Genetics, Univ. Regensburg, Univ. Regensburg
Classification: Pathogenic for Retinal dystrophy. Last evaluated: 2008-01-01. Review status: criteria provided, single submitter. Criteria: ACMG Guidelines, 2015. Collection method: clinical testing. Allele origin: germline. Affected: yes. Not counted in ClinVar's aggregate classification.

Literature cited by the submitters: PubMed 16055928 (cited by Labcorp Genetics (formerly Invitae), Labcorp); PubMed 16969763 (cited by Labcorp Genetics (formerly Invitae), Labcorp); PubMed 12402343 (cited by Labcorp Genetics (formerly Invitae), Labcorp and Institute of Human Genetics, Univ. Regensburg, Univ. Regensburg); PubMed 28863407 (cited by Institute of Human Genetics, Univ. Regensburg, Univ. Regensburg); PubMed 34985506 (cited by Institute of Human Genetics, Univ. Regensburg, Univ. Regensburg); PubMed 36819107 (cited by Institute of Human Genetics, Univ. Regensburg, Univ. Regensburg).